The following is an entry in ClinVar:

ClinVar aggregate classification (germline): Uncertain significance (1 of 4 stars; one submission).

Conditions:
Inborn genetic diseases. Identifiers: MedGen C0950123, MeSH D030342.

Submission:

Ambry Genetics
Classification: Uncertain significance for Inborn genetic diseases. Last evaluated: 2025-07-12. Review status: criteria provided, single submitter. Criteria: Ambry Variant Classification Scheme 2023. Collection method: clinical testing. Allele origin: germline.
Comment: The p.T88P variant (also known as c.262A>C), located in coding exon 1 of the KDM1A gene, results from an A to C substitution at nucleotide position 262. The threonine at codon 88 is replaced by proline, an amino acid with highly similar properties. This amino acid position is conserved. In addition, this alteration is predicted to be tolerated by in silico analysis. Based on the available evidence, the clinical significance of this variant remains unclear.

NM_001009999.3(KDM1A):c.262A>C (p.Thr88Pro)

Gene: KDM1A (lysine demethylase 1A; plus strand). Cytogenetic location: 1p36.12.
Variant type: single nucleotide variant.
Coding change: c.262A>C on transcript NM_001009999.3 (MANE Select); coding-DNA position 262, A replaced by C.
Protein change: p.Thr88Pro; replaces threonine 88 with proline.
Molecular consequence: missense variant.
Genome position (GRCh38, 1-based): chr1:23,019,858, A>C. VCF-style: chr1-23019858-A-C. GRCh37 (hg19) VCF-style: chr1-23346351-A-C.
Other names: c.262A>C, p.Thr88Pro (NM_001363654.2, NM_001410762.1, NM_001410763.1 and 1 more transcripts); short protein forms T88P.
Identifiers: ClinVar variation 4091056 (VCV004091056.1).
Genomic context (GRCh38, chr1:23,019,858, plus strand): 5'-GCCTCGCCCCCCGGGGGCCTGGCGGAACCGCCGGGGTCCGCAGGGCCTCAGGCCGGCCCT[A>C]CTGTCGTGCCTGGGTCTGCGACCCCCATGGAAACTGGAATAGCAGAGACTCCGGAGGGGC-3'
Protein context (NP_001009999.1, residues 78-98): PGSAGPQAGP[Thr88Pro]VVPGSATPME